The following is an entry in ClinVar:

NM_032603.5(LOXL3):c.278G>C (p.Gly93Ala)

Genes: DOK1 (docking protein 1; plus strand), LOXL3 (lysyl oxidase like 3; minus strand). Cytogenetic location: 2p13.1.
Variant type: single nucleotide variant.
Coding change: c.278G>C on transcript NM_032603.5 (MANE Select); coding-DNA position 278, G replaced by C.
Protein change: p.Gly93Ala; replaces glycine 93 with alanine.
Molecular consequence: missense variant. On other transcripts: intron variant (1).
Genome position (GRCh38, 1-based): chr2:74,552,357, C>G on the plus strand (G>C on the coding strand, the complement: LOXL3 is on the minus strand). VCF-style: chr2-74552357-C-G. GRCh37 (hg19) VCF-style: chr2-74779484-C-G.
Other names: c.278G>C, p.Gly93Ala (NM_001289164.3); c.-357-2797C>G (NM_001197260.2); short protein forms G93A.
Identifiers: ClinVar variation 2164844 (VCV002164844.2), dbSNP rs762632876, ClinGen allele CA1729229.

ClinVar aggregate classification (germline): Uncertain significance (1 of 4 stars; one submission).

Allele frequency attached by ClinVar (database versions not stated): gnomAD 0.00003; ExAC 0.00008.

Submission:

Labcorp Genetics (formerly Invitae), Labcorp
Classification: Uncertain significance. Last evaluated: 2023-12-21. Review status: criteria provided, single submitter. Criteria: Invitae Variant Classification Sherloc (09022015). Collection method: clinical testing. Allele origin: germline.
Comment: This sequence change replaces glycine, which is neutral and non-polar, with alanine, which is neutral and non-polar, at codon 93 of the LOXL3 protein (p.Gly93Ala). This variant is present in population databases (rs762632876, gnomAD 0.01%). This variant has not been reported in the literature in individuals affected with LOXL3-related conditions. ClinVar contains an entry for this variant (Variation ID: 2164844). An algorithm developed to predict the effect of missense changes on protein structure and function (PolyPhen-2) suggests that this variant is likely to be disruptive. In summary, the available evidence is currently insufficient to determine the role of this variant in disease. Therefore, it has been classified as a Variant of Uncertain Significance.